The following is an entry in ClinVar:

ClinVar aggregate classification (germline): Conflicting classifications of pathogenicity. Review status: criteria provided, conflicting classifications (1 of 4 stars). 2 submissions from 2 submitters: Uncertain significance (1); Likely benign (1). Last evaluated 2025-08-01.

Conditions:
Hereditary cancer-predisposing syndrome. Also called: Hereditary neoplastic syndrome; Neoplastic Syndromes, Hereditary; Hereditary Cancer Syndrome; Tumor predisposition. Identifiers: Orphanet 140162, MedGen C0027672, MeSH D009386, MONDO:0015356.
Familial meningioma. Also called: Meningioma, familial, susceptibility to. Identifiers: Orphanet 263662, MedGen C3551915, MONDO:0011789, OMIM 607174.

Allele frequency attached by ClinVar (database versions not stated): gnomAD exomes below 0.00001; TOPMed below 0.00001; gnomAD 0.00003.
gnomAD v4.1: 6 of 1,614,006 alleles (0.00037%); highest among the groups gnomAD compares: Admixed American, 0.0017%; no homozygotes.

Submissions (2):

Ambry Genetics
Classification: Likely benign for Hereditary cancer-predisposing syndrome. Last evaluated: 2025-08-01. Review status: criteria provided, single submitter. Criteria: Ambry Variant Classification Scheme 2023. Collection method: clinical testing. Allele origin: germline.

Labcorp Genetics (formerly Invitae), Labcorp
Classification: Uncertain significance for Familial meningioma. Last evaluated: 2024-04-10. Review status: criteria provided, single submitter. Criteria: Invitae Variant Classification Sherloc (09022015). Collection method: clinical testing. Allele origin: germline.
Comment: This sequence change replaces glutamic acid, which is acidic and polar, with lysine, which is basic and polar, at codon 323 of the SMARCE1 protein (p.Glu323Lys). This variant is present in population databases (no rsID available, gnomAD 0.003%). This variant has not been reported in the literature in individuals affected with SMARCE1-related conditions. Advanced modeling of protein sequence and biophysical properties (such as structural, functional, and spatial information, amino acid conservation, physicochemical variation, residue mobility, and thermodynamic stability) performed at Invitae indicates that this missense variant is not expected to disrupt SMARCE1 protein function with a negative predictive value of 80%. In summary, the available evidence is currently insufficient to determine the role of this variant in disease. Therefore, it has been classified as a Variant of Uncertain Significance.

NM_003079.5(SMARCE1):c.967G>A (p.Glu323Lys)

Gene: SMARCE1 (SWI/SNF related BAF chromatin remodeling complex subunit E1; minus strand). Cytogenetic location: 17q21.2.
Variant type: single nucleotide variant.
Coding change: c.967G>A on transcript NM_003079.5 (MANE Select); coding-DNA position 967, G replaced by A.
Protein change: p.Glu323Lys; replaces glutamic acid 323 with lysine.
Molecular consequence: missense variant.
Genome position (GRCh38, 1-based): chr17:40,630,774, C>T on the plus strand (G>A on the coding strand, the complement: SMARCE1 is on the minus strand). VCF-style: chr17-40630774-C-T. GRCh37 (hg19) VCF-style: chr17-38787026-C-T.
Other names: short protein forms E323K.
Identifiers: ClinVar variation 2807482 (VCV002807482.5), dbSNP rs1200029275, ClinGen allele CA399363389.